The following is an entry in ClinVar:

NM_021930.6(RINT1):c.839C>T (p.Ser280Leu)

Gene: RINT1 (RAD50 interactor 1; plus strand). Cytogenetic location: 7q22.3.
Variant type: single nucleotide variant.
Coding change: c.839C>T on transcript NM_021930.6 (MANE Select); coding-DNA position 839, C replaced by T.
Protein change: p.Ser280Leu; replaces serine 280 with leucine.
Molecular consequence: missense variant. On other transcripts: 5 prime UTR variant (2), non-coding transcript variant (1), intron variant (1).
Genome position (GRCh38, 1-based): chr7:105,547,333, C>T. VCF-style: chr7-105547333-C-T. GRCh37 (hg19) VCF-style: chr7-105187780-C-T.
Other names: c.839C>T (NM_021930.4); c.605C>T, p.Ser202Leu (NM_001346599.2); c.-181C>T (NM_001346600.2); c.-84C>T (NM_001346601.2); c.-27-2722C>T (NM_001346603.2); short protein forms S280L, S202L.
Identifiers: ClinVar variation 1467196 (VCV001467196.12), dbSNP rs765492463, ClinGen allele CA4426538.

ClinVar aggregate classification (germline): Uncertain significance. Review status: criteria provided, multiple submitters, no conflicts (2 of 4 stars). 3 submissions from 3 submitters: Uncertain significance (3). Last evaluated 2025-01-03.

Allele frequency attached by ClinVar (database versions not stated): ExAC 0.00001; gnomAD 0.00001; gnomAD exomes 0.00001 and 0.00004; TOPMed 0.00001.
gnomAD v4.1: 20 of 1,613,436 alleles (0.0012%); highest among the groups gnomAD compares: East Asian, 0.0022%; no homozygotes.

Submissions (3):

Ambry Genetics
Classification: Uncertain significance. Last evaluated: 2025-01-03. Review status: criteria provided, single submitter. Criteria: Ambry Variant Classification Scheme 2023. Collection method: clinical testing. Allele origin: germline.
Comment: The c.839C>T variant (also known as p.S280L), located in coding exon 6 of the RINT1 gene, results from a C to T substitution at nucleotide position 839. The amino acid change results in serine to leucine at codon 280, an amino acid with dissimilar properties. However, this change occurs in the last base pair of coding exon 6, which makes it likely to have some effect on normal mRNA splicing; however, in silico splice site analysis predicts that this alteration will not have any significant effect on splicing. In addition, the in silico prediction for this alteration is inconclusive. The evidence for this gene-disease relationship is limited; therefore, the clinical significance of this alteration is unclear.

GeneDx
Classification: Uncertain significance. Last evaluated: 2024-01-02. Review status: criteria provided, single submitter. Criteria: GeneDx Variant Classification Process June 2021. Collection method: clinical testing. Allele origin: germline. Affected: yes.
Comment: In silico analysis supports that this missense variant does not alter protein structure/function; Has not been previously published as pathogenic or benign to our knowledge

Labcorp Genetics (formerly Invitae), Labcorp
Classification: Uncertain significance. Last evaluated: 2022-11-02. Review status: criteria provided, single submitter. Criteria: Invitae Variant Classification Sherloc (09022015). Collection method: clinical testing. Allele origin: germline.
Comment: This sequence change replaces serine, which is neutral and polar, with leucine, which is neutral and non-polar, at codon 280 of the RINT1 protein (p.Ser280Leu). In summary, the available evidence is currently insufficient to determine the role of this variant in disease. Therefore, it has been classified as a Variant of Uncertain Significance. Algorithms developed to predict the effect of missense changes on protein structure and function are either unavailable or do not agree on the potential impact of this missense change (SIFT: "Deleterious"; PolyPhen-2: "Benign"; Align-GVGD: "Class C0"). ClinVar contains an entry for this variant (Variation ID: 1467196). This variant has not been reported in the literature in individuals affected with RINT1-related conditions. This variant is present in population databases (rs765492463, gnomAD 0.008%).